The following is an entry in ClinVar:

ClinVar aggregate classification (germline): Pathogenic (1 of 4 stars; one submission).

Conditions:
Hereditary breast ovarian cancer syndrome. Also called: Hereditary breast and ovarian cancer syndrome; Breast and ovarian cancer; Hereditary breast and ovarian cancer; Hereditary breast and/or ovarian cancer syndrome; Hereditary breast and ovarian cancer syndrome (HBOC); BRCA1- and BRCA2-Associated Hereditary Breast and Ovarian Cancer. Identifiers: Orphanet 145, MedGen C0677776, MeSH D061325, MONDO:0003582. Disease mechanism: loss of function.

Submission:

Labcorp Genetics (formerly Invitae), Labcorp
Classification: Pathogenic for Hereditary breast ovarian cancer syndrome. Last evaluated: 2018-03-15. Review status: criteria provided, single submitter. Criteria: Invitae Variant Classification Sherloc (09022015). Collection method: clinical testing. Allele origin: germline.
Comment: This sequence change creates a premature translational stop signal (p.Ser2098Argfs*19) in the BRCA2 gene. It is expected to result in an absent or disrupted protein product. This variant is not present in population databases (ExAC no frequency). This variant has not been reported in the literature in individuals with BRCA2-related disease. Loss-of-function variants in BRCA2 are known to be pathogenic (PMID: 20104584). For these reasons, this variant has been classified as Pathogenic.

Literature cited by the submitters: PubMed 20104584.

NC_000013.11:g.32340647_32340656delinsAGG

Gene: BRCA2 (BRCA2 DNA repair associated; plus strand). Cytogenetic location: 13q13.1.
Variant type: Indel.
Genome position: GRCh38 VCF-style: chr13-32340647-TCTAGACAAA-AGG. GRCh37 (hg19) VCF-style: chr13-32914784-TCTAGACAAA-AGG.
Other names: c.6292_6301delinsAGG, p.Ser2098fs (LRG_293t1).
Identifiers: ClinVar variation 571468 (VCV000571468.6), dbSNP rs1566234273, ClinGen allele CA891844176.